The following is an entry in ClinVar:

ClinVar aggregate classification (germline): Benign (1 of 4 stars; one submission).

Conditions:
White sponge nevus 2 (WSN2). Identifiers: MedGen C4014321, MONDO:0014346, OMIM 615785.

Allele frequency attached by ClinVar (database versions not stated): gnomAD 0.00011 and 0.00025; TOPMed 0.00016; gnomAD exomes 0.00062; 1000 Genomes Project 30x 0.00125; 1000 Genomes Project 0.00140.

Submission:

Illumina Laboratory Services, Illumina
Classification: Benign for White sponge nevus 2. Last evaluated: 2018-01-13. Review status: criteria provided, single submitter. Criteria: ICSL Variant Classification Criteria 13 December 2019. Collection method: clinical testing. Allele origin: germline.
Comment: This variant was observed in the ICSL laboratory as part of a predisposition screen in an ostensibly healthy population. It had not been previously curated by ICSL or reported in the Human Gene Mutation Database (HGMD: prior to June 1st, 2018), and was therefore a candidate for classification through an automated scoring system. Utilizing variant allele frequency, disease prevalence and penetrance estimates, and inheritance mode, an automated score was calculated to assess if this variant is too frequent to cause the disease. Based on the score and internal cut-off values, a variant classified as benign is not then subjected to further curation. The score for this variant resulted in a classification of benign for this disease.

NM_153490.3(KRT13):c.*268C>T

Gene: KRT13 (keratin 13; minus strand). Cytogenetic location: 17q21.2.
Variant type: single nucleotide variant.
Coding change: c.*268C>T on transcript NM_153490.3 (MANE Select); 268 bases downstream of the stop codon, C replaced by T.
Molecular consequence: 3 prime UTR variant.
Genome position (GRCh38, 1-based): chr17:41,500,988, G>A on the plus strand (C>T on the coding strand, the complement: KRT13 is on the minus strand). VCF-style: chr17-41500988-G-A. GRCh37 (hg19) VCF-style: chr17-39657240-G-A.
Other names: c.*356C>T (NM_002274.4).
Identifiers: ClinVar variation 892505 (VCV000892505.4), dbSNP rs188347004, ClinGen allele CA290688173.